The following is an entry in ClinVar:

NM_014714.4(IFT140):c.347A>G (p.Asn116Ser)

Genes: IFT140 (intraflagellar transport 140; minus strand), LOC105371046 (uncharacterized LOC105371046; plus strand). Cytogenetic location: 16p13.3.
Variant type: single nucleotide variant.
Coding change: c.347A>G on transcript NM_014714.4 (MANE Select); coding-DNA position 347, A replaced by G.
Protein change: p.Asn116Ser; replaces asparagine 116 with serine.
Molecular consequence: missense variant.
Genome position (GRCh38, 1-based): chr16:1,602,392, T>C on the plus strand (A>G on the coding strand, the complement: IFT140 is on the minus strand). VCF-style: chr16-1602392-T-C. GRCh37 (hg19) VCF-style: chr16-1652393-T-C.
Other names: short protein forms N116S.
Identifiers: ClinVar variation 2072041 (VCV002072041.4), dbSNP rs904474872, ClinGen allele CA276694203.

ClinVar aggregate classification (germline): Uncertain significance (1 of 4 stars; one submission).

Conditions:
Saldino-Mainzer syndrome (SRTD9). Also called: CONORENAL SYNDROME; Renal dysplasia, retinal pigmentary dystrophy, cerebellar ataxia and skeletal dysplasia; SHORT-RIB THORACIC DYSPLASIA 9 WITHOUT POLYDACTYLY; short-rib thoracic dysplasia 9 with or without polydactyly. Identifiers: Orphanet 140969, MedGen C1849437, MONDO:0009964, OMIM 266920.

Submission:

Labcorp Genetics (formerly Invitae), Labcorp
Classification: Uncertain significance for Saldino-Mainzer syndrome. Last evaluated: 2022-01-03. Review status: criteria provided, single submitter. Criteria: Invitae Variant Classification Sherloc (09022015). Collection method: clinical testing. Allele origin: germline.
Comment: Algorithms developed to predict the effect of missense changes on protein structure and function output the following: SIFT: "Tolerated"; PolyPhen-2: "Benign"; Align-GVGD: "Class C0". The serine amino acid residue is found in multiple mammalian species, which suggests that this missense change does not adversely affect protein function. This variant has not been reported in the literature in individuals affected with IFT140-related conditions. In summary, the available evidence is currently insufficient to determine the role of this variant in disease. Therefore, it has been classified as a Variant of Uncertain Significance. This variant is not present in population databases (gnomAD no frequency). This sequence change replaces asparagine, which is neutral and polar, with serine, which is neutral and polar, at codon 116 of the IFT140 protein (p.Asn116Ser).